The following is an entry in ClinVar:

ClinVar aggregate classification (germline): Benign. Review status: criteria provided, single submitter (1 of 4 stars). 2 submissions from 2 submitters: Benign (1). 1 of the submissions does not count toward it. Last evaluated 2018-02-12.

Conditions:
Ornithine carbamoyltransferase deficiency (OTCD). Also called: OTC DEFICIENCY; ORNITHINE TRANSCARBAMYLASE DEFICIENCY; ORNITHINE TRANSCARBAMYLASE DEFICIENCY, HYPERAMMONEMIA DUE TO; Ornithine Carbamoyltransferase Deficiency Disease. Identifiers: Orphanet 664, MedGen C0268542, MONDO:0010703, OMIM 311250.

Allele frequency attached by ClinVar (database versions not stated): gnomAD 0.69913; TOPMed 0.70492; 1000 Genomes Project 30x 0.71426; 1000 Genomes Project 0.71815.

Submissions (2):

GeneDx
Classification: Benign. Last evaluated: 2018-02-12. Review status: criteria provided, single submitter. Criteria: GeneDx Variant Classification (06012015). Collection method: clinical testing. Allele origin: germline. Affected: yes.
Comment: This variant is considered likely benign or benign based on one or more of the following criteria: it is a conservative change, it occurs at a poorly conserved position in the protein, it is predicted to be benign by multiple in silico algorithms, and/or has population frequency not consistent with disease.

Natera, Inc.
Classification: Benign for Ornithine transcarbamylase deficiency. Last evaluated: 2020-09-16. Review status: no assertion criteria provided. Collection method: clinical testing. Allele origin: germline. Not counted in ClinVar's aggregate classification.

NM_000531.6(OTC):c.-359G>A

Gene: OTC (ornithine transcarbamylase; plus strand). Cytogenetic location: Xp11.4.
Variant type: single nucleotide variant.
Coding change: c.-359G>A on transcript NM_000531.6 (MANE Select); 359 bases upstream of the start codon, G replaced by A.
Genome position (GRCh38, 1-based): chrX:38,352,338, G>A. VCF-style: chrX-38352338-G-A. GRCh37 (hg19) VCF-style: chrX-38211591-G-A.
Identifiers: ClinVar variation 516401 (VCV000516401.2), dbSNP rs5917573, ClinGen allele CA327916573.